The following is an entry in ClinVar:

ClinVar aggregate classification (germline): Uncertain significance (1 of 4 stars; one submission).

Conditions:
Hereditary spastic paraplegia 2 (SPG2). Also called: SPASTIC PARAPLEGIA 2, X-LINKED; Spastic Paraplegia 2 (SPG2). Identifiers: Orphanet 99015, MedGen C0751604, MONDO:0010733, OMIM 312920.

Allele frequency attached by ClinVar (database versions not stated): ExAC 0.00003.

Submission:

Labcorp Genetics (formerly Invitae), Labcorp
Classification: Uncertain significance for Hereditary spastic paraplegia 2. Last evaluated: 2022-07-15. Review status: criteria provided, single submitter. Criteria: Invitae Variant Classification Sherloc (09022015). Collection method: clinical testing. Allele origin: germline.
Comment: In summary, the available evidence is currently insufficient to determine the role of this variant in disease. Therefore, it has been classified as a Variant of Uncertain Significance. This variant disrupts the p.Trp181 amino acid residue in PLP1. Other variant(s) that disrupt this residue have been observed in individuals with PLP1-related conditions (PMID: 11093273), which suggests that this may be a clinically significant amino acid residue. Algorithms developed to predict the effect of missense changes on protein structure and function are either unavailable or do not agree on the potential impact of this missense change (SIFT: "Not Available"; PolyPhen-2: "Probably Damaging"; Align-GVGD: "Not Available"). This missense change has been observed in individual(s) with hereditary spastic paraplegia (Invitae). This variant is not present in population databases (gnomAD no frequency). This sequence change replaces tryptophan, which is neutral and slightly polar, with glycine, which is neutral and non-polar, at codon 181 of the PLP1 protein (p.Trp181Gly).

Literature cited by the submitters: PubMed 11093273.

NM_000533.5(PLP1):c.541T>G (p.Trp181Gly)

Genes: RAB9B (RAB9B, member RAS oncogene family; minus strand), PLP1 (proteolipid protein 1; plus strand). Cytogenetic location: Xq22.2.
Variant type: single nucleotide variant.
Coding change: c.541T>G on transcript NM_000533.5 (MANE Select); coding-DNA position 541, T replaced by G.
Protein change: p.Trp181Gly; replaces tryptophan 181 with glycine.
Molecular consequence: missense variant.
Genome position (GRCh38, 1-based): chrX:103,787,885, T>G. VCF-style: chrX-103787885-T-G. GRCh37 (hg19) VCF-style: chrX-103042814-T-G.
Other names: c.541T>G, p.Trp181Gly (NM_001128834.3); c.376T>G, p.Trp126Gly (NM_001305004.1); c.436T>G, p.Trp146Gly (NM_199478.3); short protein forms W126G, W146G, W181G.
Identifiers: ClinVar variation 1972890 (VCV001972890.5), dbSNP rs750272749, ClinGen allele CA10478987.